The following is an entry in ClinVar:

ClinVar aggregate classification (germline): Benign/Likely benign. Review status: criteria provided, multiple submitters, no conflicts (2 of 4 stars). 4 submissions from 4 submitters: Benign (2); Likely benign (2). Last evaluated 2026-08-09.

Conditions:
PCLO-related disorder. Also called: PCLO-related condition.

Allele frequency attached by ClinVar (database versions not stated): ESP Exome Variant Server 0.00008; gnomAD 0.00052 and 0.00068; gnomAD exomes 0.00058 and 0.00173; TOPMed 0.00097; ExAC 0.00169; 1000 Genomes Project 30x 0.00297; 1000 Genomes Project 0.00319.
gnomAD v4.1: 950 of 1,612,778 alleles (0.059%); highest among the groups gnomAD compares: East Asian, 1.3%; 9 homozygotes.

Submissions (4):

PreventionGenetics, part of Exact Sciences
Classification: Benign for PCLO-related condition. Last evaluated: 2026-08-09. Review status: criteria provided, single submitter. Criteria: ACMG Guidelines, 2015. Collection method: clinical testing. Allele origin: germline.
Comment: This variant is classified as benign based on ACMG/AMP sequence variant interpretation guidelines (Richards et al. 2015 PMID: 25741868, with internal and published modifications).

Labcorp Genetics (formerly Invitae), Labcorp
Classification: Benign. Last evaluated: 2026-01-17. Review status: criteria provided, single submitter. Criteria: Invitae Variant Classification Sherloc (09022015). Collection method: clinical testing. Allele origin: germline.

CeGaT Center for Human Genetics Tuebingen
Classification: Likely benign. Last evaluated: 2025-04-01. Review status: criteria provided, single submitter. Criteria: CeGaT Center For Human Genetics Tuebingen Variant Classification Criteria Version 2. Collection method: clinical testing. Allele origin: germline. Affected: yes. Observed: 1 variant allele.
Comment: PCLO: BP4, BP7, BS1

Blueprint Genetics
Classification: Likely benign. Last evaluated: 2024-11-13. Review status: criteria provided, single submitter. Criteria: ACMG Guidelines, 2015. Collection method: clinical testing. Allele origin: germline.

NM_033026.6(PCLO):c.13392G>A (p.Pro4464=)

Gene: PCLO (piccolo presynaptic cytomatrix protein; minus strand). Cytogenetic location: 7q21.11.
Variant type: single nucleotide variant.
Coding change: c.13392G>A on transcript NM_033026.6 (MANE Select); coding-DNA position 13392, G replaced by A.
Protein change: p.Pro4464=; no amino-acid change (proline 4464 retained).
Molecular consequence: synonymous variant.
Genome position (GRCh38, 1-based): chr7:82,908,922, C>T on the plus strand (G>A on the coding strand, the complement: PCLO is on the minus strand). VCF-style: chr7-82908922-C-T. GRCh37 (hg19) VCF-style: chr7-82538238-C-T.
Other names: c.13392G>A, p.Pro4464= (NM_014510.3); c.13392G>A (NM_033026.5).
Identifiers: ClinVar variation 1165450 (VCV001165450.18), dbSNP rs78925303, ClinGen allele CA4319177.
Genomic context (GRCh38, chr7:82,908,922, plus strand): 5'-AAATATAGCACTTACTTGCTCTTGATGTTGACTGAGTGGTCTAGAGTGGACCAATCTTTC[C>T]GGCAGTTTTCGGTCCAGACCATGTCCATTTTCCAAACGAGACTCCCTGGGTTTATCAAAC-3'
Protein context (NP_149015.2, residues 4454-4474): ENGHGLDRKL[Pro4464=]ERLVHSRPLS